The following is an entry in ClinVar:

ClinVar aggregate classification (germline): Uncertain significance. Review status: reviewed by expert panel (3 of 4 stars). 4 submissions from 4 submitters: Uncertain significance (1). 3 of the submissions do not count toward it. Last evaluated 2026-09-01.
ClinVar aggregate classification (somatic clinical impact): Tier I - Strong (1 of 4 stars; one submission).

Conditions:
DICER1-related tumor predisposition. Also called: DICER1-related pleuropulmonary blastoma cancer predisposition syndrome; DICER1 syndrome. Identifiers: Orphanet 284343, MedGen C3839822, MONDO:0100216.
Hereditary cancer-predisposing syndrome. Also called: Neoplastic Syndromes, Hereditary; Tumor predisposition; Hereditary neoplastic syndrome; Hereditary Cancer Syndrome. Identifiers: Orphanet 140162, MedGen C0027672, MeSH D009386, MONDO:0015356.
Rhabdomyosarcoma. Also called: Rhabdomyosarcoma (disease). Identifiers: Orphanet 780, MedGen C0035412, MeSH D012208, MONDO:0005212, HP:0002859.

Submissions (5):

ClinGen DICER1 and miRNA-Processing Gene Variant Curation Expert Panel, ClinGen
Classification: Uncertain significance for DICER1-related tumor predisposition. Last evaluated: 2026-09-01. Review status: reviewed by expert panel. Criteria: ClinGen DICER1 and miRNA-Processing Gene Expert Panel Specifications to the ACMG/AMP Variant Interpretation Guidelines for DICER1 Version 1.4. Collection method: curation. Allele origin: germline. Inheritance: Autosomal dominant inheritance.
Comment: The NM_177438.2:c.5438A>C variant in DICER1 is a missense variant predicted to cause substitution of Glutamic acid by Alanine at amino acid 1813 (p.Glu1813Ala). Although this variant has been observed in low variant allele fraction cases, to our knowledge, this variant has not been reported in individuals with DICER1-related tumor predisposition (PS4 not met; Internal lab contributors). This variant is absent from gnomAD v4.1.0 (PM2_Supporting). In vitro cleavage assay carried out using immunopurified DICER1 variant Glu1813Ala showed that this variant reduces the capacity of the protein to produce 5p microRNAs from a pre-miRNA, indicating that this variant impacts protein function (PS3_Supporting; PMID: 15242644, 17920623, 23132766). In silico tools predict damaging impact of the variant on protein function (REVEL: 0.949) (PP3). This variant resides in the p.E1813 metal ion-binding residue located in the RNase IIIb domain of DICER1, that is defined as a mutational hotspot and critical functional domain by the ClinGen DICER1 VCEP (PM1; PMID: 31342592). This variant is a hotspot variant reported as a somatic finding in many individuals both with and without a separate germline DICER1 variant. This variant has been observed at low allele fraction in two probands with cancer diagnoses outside the recognized DICER1 spectrum (Internal laboratory contributors). In summary, this variant meets the criteria to be classified as Uncertain Significance for DICER1-related tumor predisposition based on the ACMG/AMP criteria applied, as specified by the ClinGen DICER1 VCEP: PS3_Supporting, PM2_Supporting, PP3, PM1. (Bayesian Points: 5; VCEP specifications version 1.3.0; 01/07/2025). NOTE: Although available evidence supports germline pathogenicity of recurrent DICER1 somatic hotspot variants (PMID: 26925222), the clinical significance of this variant in the germline remains uncertain at this time since it has not yet been observed in the germline of an individual with a recognized DICER1 phenotype.

Institute for Genomic Medicine (IGM) Clinical Laboratory, Nationwide Children's Hospital
Classification: Tier I - Strong for Rhabdomyosarcoma. Assertion type: diagnostic. Clinical significance: supports diagnosis. Last evaluated: 2025-03-10. Review status: criteria provided, single submitter. Criteria: AMP/ASCO/CAP Guidelines, 2017. Collection method: clinical testing. Allele origin: somatic. Affected: yes.
Comment: Variant has Tier I (strong) clinical significance as a diagnostic inclusion criterion in rhabdomyosarcoma, based on the following evidence: 1) Documented in one or more cancer databases (e.g., St. Jude Pecan, COSMIC, CIViC, OncoKB). 2) Appears in one or more well-established professional guidelines (e.g., World Health Organization [WHO]; National Comprehensive Cancer Network [NCCN]) as providing diagnostic, prognostic, or therapeutic information (PMIDs: 31990691, 26461232, 24136150, 22180160, 26925222). 3) Information in the literature supports potential biologic effect of variant (PMID: 23620094). 4) Diagnostic for a specific tumor type/classification based on well-powered studies with expert-level consensus (Evidence Level B; PMIDs: 34166060, 31900434, 26461232, 30266945, 33846547, 33135284).

Labcorp Genetics (formerly Invitae), Labcorp
Classification: Uncertain significance for DICER1-related tumor predisposition. Last evaluated: 2021-04-28. Review status: criteria provided, single submitter. Criteria: Invitae Variant Classification Sherloc (09022015). Collection method: clinical testing. Allele origin: germline. Not counted in ClinVar's aggregate classification.
Comment: This sequence change replaces glutamic acid with alanine at codon 1813 of the DICER1 protein (p.Glu1813Ala). The glutamic acid residue is highly conserved and there is a moderate physicochemical difference between glutamic acid and alanine. This variant is not present in population databases (ExAC no frequency). This variant has not been reported in the literature in the germline of individuals with DICER1-related conditions. ClinVar contains an entry for this variant (Variation ID: 933090). Experimental studies have shown that this variant affects DICER1 protein function (PMID: 15242644, 17920623). In summary, the available evidence is currently insufficient to determine the role of this variant in disease. Therefore, it has been classified as a Variant of Uncertain Significance.

Ambry Genetics
Classification: Uncertain significance for Hereditary cancer-predisposing syndrome. Last evaluated: 2020-09-08. Review status: criteria provided, single submitter. Criteria: Ambry Variant Classification Scheme 2023. Collection method: clinical testing. Allele origin: germline. Not counted in ClinVar's aggregate classification.
Comment: The p.E1813A variant (also known as c.5438A>C), located in coding exon 24 of the DICER1 gene, results from an A to C substitution at nucleotide position 5438. The glutamic acid at codon 1813 is replaced by alanine, an amino acid with dissimilar properties. This amino acid position is highly conserved in available vertebrate species. In addition, this alteration is predicted to be deleterious by in silico analysis. Since supporting evidence is limited at this time, the clinical significance of this alteration remains unclear.

Foulkes Cancer Genetics LDI, Lady Davis Institute for Medical Research
Classification: Pathogenic for Pleuropulmonary blastoma. Last evaluated: 2019-07-01. Review status: criteria provided, single submitter. Criteria: ACMG Guidelines, 2015. Collection method: curation. Allele origin: somatic, unknown. Affected: yes. Observed: 8 variant alleles. Not counted in ClinVar's aggregate classification.
Comment: ACMG criteria met: PS3, PM1, PM2, PM7, PP3, PP4, BP1

Literature cited by the submitters: PubMed 31990691 (cited by Institute for Genomic Medicine (IGM) Clinical Laboratory, Nationwide Children's Hospital); PubMed 26461232 (cited by Institute for Genomic Medicine (IGM) Clinical Laboratory, Nationwide Children's Hospital); PubMed 24136150 (cited by Institute for Genomic Medicine (IGM) Clinical Laboratory, Nationwide Children's Hospital); PubMed 22180160 (cited by Institute for Genomic Medicine (IGM) Clinical Laboratory, Nationwide Children's Hospital); PubMed 26925222 (cited by Institute for Genomic Medicine (IGM) Clinical Laboratory, Nationwide Children's Hospital); PubMed 23620094 (cited by Institute for Genomic Medicine (IGM) Clinical Laboratory, Nationwide Children's Hospital); PubMed 34166060 (cited by Institute for Genomic Medicine (IGM) Clinical Laboratory, Nationwide Children's Hospital); PubMed 31900434 (cited by Institute for Genomic Medicine (IGM) Clinical Laboratory, Nationwide Children's Hospital); PubMed 30266945 (cited by Institute for Genomic Medicine (IGM) Clinical Laboratory, Nationwide Children's Hospital); PubMed 33846547 (cited by Institute for Genomic Medicine (IGM) Clinical Laboratory, Nationwide Children's Hospital); PubMed 33135284 (cited by Institute for Genomic Medicine (IGM) Clinical Laboratory, Nationwide Children's Hospital); PubMed 15242644 (cited by Labcorp Genetics (formerly Invitae), Labcorp); PubMed 17920623 (cited by Labcorp Genetics (formerly Invitae), Labcorp); PubMed 23418872 (cited by Foulkes Cancer Genetics LDI, Lady Davis Institute for Medical Research); PubMed 23728841 (cited by Foulkes Cancer Genetics LDI, Lady Davis Institute for Medical Research); PubMed 25451712 (cited by Foulkes Cancer Genetics LDI, Lady Davis Institute for Medical Research); PubMed 26033501 (cited by Foulkes Cancer Genetics LDI, Lady Davis Institute for Medical Research); PubMed 27664536 (cited by Foulkes Cancer Genetics LDI, Lady Davis Institute for Medical Research); PubMed 28654427 (cited by Foulkes Cancer Genetics LDI, Lady Davis Institute for Medical Research); PubMed 29881993 (cited by Foulkes Cancer Genetics LDI, Lady Davis Institute for Medical Research); PubMed 26886166 (cited by Foulkes Cancer Genetics LDI, Lady Davis Institute for Medical Research).

NM_177438.3(DICER1):c.5438A>C (p.Glu1813Ala)

Gene: DICER1 (dicer 1, ribonuclease III; minus strand). Cytogenetic location: 14q32.13.
Variant type: single nucleotide variant.
Coding change: c.5438A>C on transcript NM_177438.3 (MANE Select); coding-DNA position 5438, A replaced by C.
Protein change: p.Glu1813Ala; replaces glutamic acid 1813 with alanine.
Molecular consequence: missense variant. On other transcripts: intron variant (1).
Genome position (GRCh38, 1-based): chr14:95,091,292, T>G on the plus strand (A>C on the coding strand, the complement: DICER1 is on the minus strand). VCF-style: chr14-95091292-T-G. GRCh37 (hg19) VCF-style: chr14-95557629-T-G.
Other names: NM_177438.3(DICER1):c.5438A>C; p.Glu1813Ala; c.5438A>C, p.Glu1813Ala (NM_001271282.3, NM_001291628.2, NM_030621.4); c.5365-183A>C (NM_001195573.1); short protein forms E1813A.
Identifiers: ClinVar variation 933090 (VCV000933090.17), dbSNP rs1889806272, ClinGen allele CA390864653.